The following is an entry in ClinVar:

ClinVar aggregate classification (germline): Uncertain significance (1 of 4 stars; one submission).

Conditions:
Long QT syndrome (LQTS). Identifiers: MedGen C0023976, MeSH D008133, MONDO:0002442. Disease mechanism: loss of function. Inheritance: Various modes of inheritance.

Submission:

Labcorp Genetics (formerly Invitae), Labcorp
Classification: Uncertain significance for Long QT syndrome. Last evaluated: 2017-09-16. Review status: criteria provided, single submitter. Criteria: Invitae Variant Classification Sherloc (09022015). Collection method: clinical testing. Allele origin: germline.
Comment: This sequence change replaces asparagine with lysine at codon 1072 of the CACNA1C protein (p.Asn1072Lys). The asparagine residue is weakly conserved and there is a moderate physicochemical difference between asparagine and lysine. In summary, the available evidence is currently insufficient to determine the role of this variant in disease. Therefore, it has been classified as a Variant of Uncertain Significance. Algorithms developed to predict the effect of missense changes on protein structure and function (SIFT, PolyPhen-2, Align-GVGD) all suggest that this variant is likely to be tolerated, but these predictions have not been confirmed by published functional studies and their clinical significance is uncertain. This variant has not been reported in the literature in individuals with CACNA1C-related disease. This variant is not present in population databases (ExAC no frequency).

NM_000719.7(CACNA1C):c.3216C>A (p.Asn1072Lys)

Gene: CACNA1C (calcium voltage-gated channel subunit alpha1 C; plus strand). Cytogenetic location: 12p13.33.
Variant type: single nucleotide variant.
Coding change: c.3216C>A on transcript NM_000719.7 (MANE Select); coding-DNA position 3216, C replaced by A.
Protein change: p.Asn1072Lys; replaces asparagine 1072 with lysine.
Molecular consequence: missense variant.
Genome position (GRCh38, 1-based): chr12:2,606,990, C>A. VCF-style: chr12-2606990-C-A. GRCh37 (hg19) VCF-style: chr12-2716156-C-A.
Other names: c.3276C>A, p.Asn1092Lys (NM_001129827.2, NM_001129832.2, NM_199460.4); c.3216C>A, p.Asn1072Lys (NM_001129829.2, NM_001129830.3, NM_001129831.2 and 15 more transcripts); c.3207C>A, p.Asn1069Lys (NM_001129844.2); short protein forms N1072K, N1092K, N1069K.
Identifiers: ClinVar variation 526916 (VCV000526916.9), dbSNP rs1555882391, ClinGen allele CA383374696.